The following is an entry in ClinVar:

NM_032656.4(DHX37):c.2149G>A (p.Val717Ile)

Gene: DHX37 (DEAH-box helicase 37; minus strand). Cytogenetic location: 12q24.31.
Variant type: single nucleotide variant.
Coding change: c.2149G>A on transcript NM_032656.4 (MANE Select); coding-DNA position 2149, G replaced by A.
Protein change: p.Val717Ile; replaces valine 717 with isoleucine.
Molecular consequence: missense variant.
Genome position (GRCh38, 1-based): chr12:124,960,320, C>T on the plus strand (G>A on the coding strand, the complement: DHX37 is on the minus strand). VCF-style: chr12-124960320-C-T. GRCh37 (hg19) VCF-style: chr12-125444866-C-T.
Other names: c.2149G>A (NM_032656.3); short protein forms V717I.
Identifiers: ClinVar variation 2049436 (VCV002049436.6), dbSNP rs35016004, ClinGen allele CA6871754.
Genomic context (GRCh38, chr12:124,960,320, plus strand): 5'-GGGAGGTGGTCCACTGGGGTGGCTGAGAGCGGGGCTGGGGGCAGCAACTGACCTTTTCAA[C>T]GTTGAGCGCCTTCATTTGAAGGATTAAGTCTTCAACAGGCCTCCGGGTGATTTCTGGAGG-3'
Protein context (NP_116045.2, residues 707-727): DLILQMKALN[Val717Ile]EKVINFPFPT

ClinVar aggregate classification (germline): Benign. Review status: criteria provided, single submitter (1 of 4 stars). 2 submissions from 2 submitters: Benign (1). 1 of the submissions does not count toward it. Last evaluated 2026-01-28.

Conditions:
DHX37-related disorder. Also called: DHX37-Related Disorders; DHX37-related condition.

Allele frequency attached by ClinVar (database versions not stated): gnomAD exomes 0.00093; ExAC 0.00265; 1000 Genomes Project 30x 0.00718; 1000 Genomes Project 0.00759; TOPMed 0.00881; ESP Exome Variant Server 0.01023.
gnomAD v4.1: 2,667 of 1,613,144 alleles (0.17%); highest among the groups gnomAD compares: African/African-American, 2.7%; 33 homozygotes.

Submissions (2):

Labcorp Genetics (formerly Invitae), Labcorp
Classification: Benign. Last evaluated: 2026-01-28. Review status: criteria provided, single submitter. Criteria: Invitae Variant Classification Sherloc (09022015). Collection method: clinical testing. Allele origin: germline.

PreventionGenetics, part of Exact Sciences
Classification: Benign for DHX37-related condition. Last evaluated: 2019-11-26. Review status: no assertion criteria provided. Collection method: clinical testing. Allele origin: germline. Not counted in ClinVar's aggregate classification.
Comment: This variant is classified as benign based on ACMG/AMP sequence variant interpretation guidelines (Richards et al. 2015 PMID: 25741868, with internal and published modifications).